The following is an entry in ClinVar:

ClinVar aggregate classification (germline): Uncertain significance (1 of 4 stars; one submission).

Submission:

GeneDx
Classification: Uncertain significance. Last evaluated: 2025-08-05. Review status: criteria provided, single submitter. Criteria: GeneDx Variant Classification Process June 2021. Collection method: clinical testing. Allele origin: germline. Affected: yes.
Comment: Not observed at significant frequency in large population cohorts (gnomAD); In silico analysis supports that this missense variant has a deleterious effect on protein structure/function; Has not been previously published as pathogenic or benign to our knowledge

NM_001690.4(ATP6V1A):c.1520T>C (p.Ile507Thr)

Gene: ATP6V1A (ATPase H+ transporting V1 subunit A; plus strand). Cytogenetic location: 3q13.31.
Variant type: single nucleotide variant.
Coding change: c.1520T>C on transcript NM_001690.4 (MANE Select); coding-DNA position 1520, T replaced by C.
Protein change: p.Ile507Thr; replaces isoleucine 507 with threonine.
Molecular consequence: missense variant.
Genome position (GRCh38, 1-based): chr3:113,803,608, T>C. VCF-style: chr3-113803608-T-C. GRCh37 (hg19) VCF-style: chr3-113522455-T-C.
Other names: short protein forms I507T.
Identifiers: ClinVar variation 4795547 (VCV004795547.1).